The following is an entry in ClinVar:

ClinVar aggregate classification (germline): Uncertain significance (1 of 4 stars; one submission).

gnomAD v4.1: 1 of 1,614,080 alleles (0.000062%); highest among the groups gnomAD compares: Non-Finnish European, 0.000085%; no homozygotes.

Submission:

Women's Health and Genetics/Laboratory Corporation of America, LabCorp
Classification: Uncertain significance. Last evaluated: 2025-09-10. Review status: criteria provided, single submitter. Criteria: LabCorp Variant Classification Summary - May 2015. Collection method: clinical testing. Allele origin: germline.
Comment: Variant summary: PKD2 c.2468G>A (p.Ser823Asn) results in a conservative amino acid change in the encoded protein sequence. Algorithms developed to predict the effect of missense changes on protein structure and function are either unavailable or do not agree on the potential impact of this missense change. The variant was absent in 251308 control chromosomes. The available data on variant occurrences in the general population are insufficient to allow any conclusion about variant significance. To our knowledge, no occurrence of c.2468G>A in individuals affected with PKD2-related conditions and no experimental evidence demonstrating its impact on protein function have been reported. No submitters have cited clinical-significance assessments for this variant to ClinVar. Based on the evidence outlined above, the variant was classified as uncertain significance.

NM_000297.4(PKD2):c.2468G>A (p.Ser823Asn)

Gene: PKD2 (polycystin 2, transient receptor potential cation channel; plus strand). Cytogenetic location: 4q22.1.
Variant type: single nucleotide variant.
Coding change: c.2468G>A on transcript NM_000297.4 (MANE Select); coding-DNA position 2468, G replaced by A.
Protein change: p.Ser823Asn; replaces serine 823 with asparagine.
Molecular consequence: missense variant. On other transcripts: non-coding transcript variant (1).
Genome position (GRCh38, 1-based): chr4:88,068,007, G>A. VCF-style: chr4-88068007-G-A. GRCh37 (hg19) VCF-style: chr4-88989159-G-A.
Other names: c.2243G>A, p.Ser748Asn (NM_001440544.1); short protein forms S748N, S823N.
Identifiers: ClinVar variation 4535630 (VCV004535630.1).
Genomic context (GRCh38, chr4:88,068,007, plus strand): 5'-GAAGTTTCCCTCGAAGCCTGGATGACTCTGAGGAGGATGACGATGAAGATAGCGGACATA[G>A]CTCCAGAAGGAGGGGAAGCATTTCTAGTGGCGTTTCTTACGAAGAGTTTCAAGTGTAAGT-3'
Protein context (NP_000288.1, residues 813-833): EEDDDEDSGH[Ser823Asn]SRRRGSISSG